The following is an entry in ClinVar:

ClinVar aggregate classification (germline): Uncertain significance. Review status: criteria provided, multiple submitters, no conflicts (2 of 4 stars). 5 submissions from 5 submitters: Uncertain significance (4). 1 of the submissions does not count toward it. Last evaluated 2024-10-22.

Conditions:
Inborn genetic diseases. Identifiers: MedGen C0950123, MeSH D030342.
Autosomal recessive retinitis pigmentosa. Identifiers: MedGen C0339526.

Allele frequency attached by ClinVar (database versions not stated): ExAC 0.00008; TOPMed 0.00008; gnomAD exomes 0.00012 and 0.00021; gnomAD 0.00016 and 0.00017; ESP Exome Variant Server 0.00023.
gnomAD v4.1: 319 of 1,570,668 alleles (0.02%); highest among the groups gnomAD compares: Non-Finnish European, 0.023%; no homozygotes.

Submissions (5):

Blueprint Genetics
Classification: Uncertain significance. Last evaluated: 2024-10-22. Review status: criteria provided, single submitter. Criteria: ACMG Guidelines, 2015. Collection method: clinical testing. Allele origin: germline.

Labcorp Genetics (formerly Invitae), Labcorp
Classification: Uncertain significance. Last evaluated: 2022-08-23. Review status: criteria provided, single submitter. Criteria: Invitae Variant Classification Sherloc (09022015). Collection method: clinical testing. Allele origin: germline.
Comment: This sequence change replaces aspartic acid, which is acidic and polar, with glutamic acid, which is acidic and polar, at codon 353 of the EYS protein (p.Asp353Glu). This variant is present in population databases (rs138954858, gnomAD 0.09%). This variant has not been reported in the literature in individuals affected with EYS-related conditions. ClinVar contains an entry for this variant (Variation ID: 972543). Algorithms developed to predict the effect of missense changes on protein structure and function (SIFT, PolyPhen-2, Align-GVGD) all suggest that this variant is likely to be tolerated. In summary, the available evidence is currently insufficient to determine the role of this variant in disease. Therefore, it has been classified as a Variant of Uncertain Significance.

Ambry Genetics
Classification: Uncertain significance for Inborn genetic diseases. Last evaluated: 2021-12-21. Review status: criteria provided, single submitter. Criteria: Ambry Variant Classification Scheme 2023. Collection method: clinical testing. Allele origin: germline.

Breakthrough Genomics
Classification: Uncertain significance. Review status: criteria provided, single submitter. Criteria: ACMG Guidelines, 2015. Collection method: not provided. Allele origin: germline. Inheritance: Autosomal recessive inheritance. Affected: yes.

Natera, Inc.
Classification: Uncertain significance for Autosomal recessive retinitis pigmentosa. Last evaluated: 2020-08-20. Review status: no assertion criteria provided. Collection method: clinical testing. Allele origin: germline. Not counted in ClinVar's aggregate classification.

NM_001142800.2(EYS):c.1059T>A (p.Asp353Glu)

Gene: EYS (EGF-like photoreceptor maintenance factor; minus strand). Cytogenetic location: 6q12.
Variant type: single nucleotide variant.
Coding change: c.1059T>A on transcript NM_001142800.2 (MANE Select); coding-DNA position 1059, T replaced by A.
Protein change: p.Asp353Glu; replaces aspartic acid 353 with glutamic acid.
Molecular consequence: missense variant.
Genome position (GRCh38, 1-based): chr6:65,402,603, A>T on the plus strand (T>A on the coding strand, the complement: EYS is on the minus strand). VCF-style: chr6-65402603-A-T. GRCh37 (hg19) VCF-style: chr6-66112496-A-T.
Other names: c.1059T>A, p.Asp353Glu (NM_001142801.2, NM_001292009.2, NM_198283.2); short protein forms D353E.
Identifiers: ClinVar variation 972543 (VCV000972543.7), dbSNP rs138954858, ClinGen allele CA3877872.